The following is an entry in ClinVar:

ClinVar aggregate classification (germline): Likely pathogenic (1 of 4 stars; one submission).

Conditions:
Dilated cardiomyopathy 1G (CMD1G). Identifiers: Orphanet 154, MedGen C1858763, MONDO:0011400, OMIM 604145.
Autosomal recessive limb-girdle muscular dystrophy type 2J (LGMDR10). Also called: Limb-girdle muscular dystrophy, type 2J; MUSCULAR DYSTROPHY, LIMB-GIRDLE, AUTOSOMAL RECESSIVE 10. Identifiers: Orphanet 140922, MedGen C1837342, MONDO:0012127, OMIM 608807.

Submission:

Labcorp Genetics (formerly Invitae), Labcorp
Classification: Likely pathogenic for Dilated cardiomyopathy 1G; Autosomal recessive limb-girdle muscular dystrophy type 2J. Last evaluated: 2022-01-02. Review status: criteria provided, single submitter. Criteria: Invitae Variant Classification Sherloc (09022015). Collection method: clinical testing. Allele origin: germline.
Comment: This variant is located in the A band of TTN (PMID: 25589632). Truncating variants in this region are significantly overrepresented in patients affected with dilated cardiomyopathy (PMID: 25589632). Truncating variants in this region have also been reported in individuals affected with autosomal recessive centronuclear myopathy (PMID: 23975875). In summary, the currently available evidence indicates that the variant is pathogenic, but additional data are needed to prove that conclusively. Therefore, this variant has been classified as Likely Pathogenic. This variant has not been reported in the literature in individuals affected with TTN-related conditions. This variant is not present in population databases (gnomAD no frequency). This sequence change creates a premature translational stop signal (p.Glu25289*) in the TTN gene. While this is not anticipated to result in nonsense mediated decay, it is expected to create a truncated TTN protein.

Literature cited by the submitters: PubMed 25589632; PubMed 23975875.

NM_001267550.2(TTN):c.75865G>T (p.Glu25289Ter)

Genes: TTN-AS1 (TTN antisense RNA 1; plus strand), TTN (titin; minus strand). Cytogenetic location: 2q31.2.
Variant type: single nucleotide variant.
Coding change: c.75865G>T on transcript NM_001267550.2 (MANE Select); coding-DNA position 75865, G replaced by T.
Protein change: p.Glu25289Ter; replaces glutamic acid 25289 with a stop codon.
Molecular consequence: nonsense.
Genome position (GRCh38, 1-based): chr2:178,570,267, C>A on the plus strand (G>T on the coding strand, the complement: TTN is on the minus strand). VCF-style: chr2-178570267-C-A. GRCh37 (hg19) VCF-style: chr2-179434994-C-A.
Other names: c.70942G>T, p.Glu23648Ter (NM_001256850.1); c.48670G>T, p.Glu16224Ter (NM_003319.4); c.68161G>T, p.Glu22721Ter (NM_133378.4); c.49045G>T, p.Glu16349Ter (NM_133432.3); c.49246G>T, p.Glu16416Ter (NM_133437.4); short protein forms E16349*, E16416*, E23648*, E16224*, E22721*, E25289*.
Identifiers: ClinVar variation 2070464 (VCV002070464.4), dbSNP rs2468443511, ClinGen allele CA349619377.